The following is an entry in ClinVar:

ClinVar aggregate classification (germline): Pathogenic (1 of 4 stars; one submission).

Submission:

Clinical Genomics Laboratory, Laboratory for Precision Diagnostics, University of Washington
Classification: Pathogenic. Last evaluated: 2023-07-28. Review status: criteria provided, single submitter. Criteria: ACMG/ClinGen CNV Guidelines, 2019. Collection method: clinical testing. Allele origin: unknown. Affected: yes. Observed: 1 variant allele.
Comment: This interstitial deletion is approximately 367 kb in size and contains 15 protein-coding genes, including RBM8A. It is the recurrent microdeletion of proximal chromosome 1q21.1 associated with thrombocytopenia-absent radii (TAR) syndrome. TAR syndrome is characterized by bilateral absence of the radii with presence of thumbs and thrombocytopenia. Presence of the proximal 1q21.1 deletion is not sufficient to cause the syndrome, but must be inherited in combination with a loss of function variant in the remaining copy of RBM8A. See NBK: 23758 for a recent summary.

GRCh38/hg38 1q21.1(chr1:145672100-146039555)x1

Genes: ANKRD34A (ankyrin repeat domain 34A; minus strand), ANKRD35 (ankyrin repeat domain 35; minus strand), ANKRD35-DT (ANKRD35 divergent transcript; plus strand), CD160 (CD160 molecule; plus strand), HJV (hemojuvelin BMP co-receptor; minus strand) and 47 more. Cytogenetic location: 1q21.1.
Variant type: copy number loss.
Change: copy number 1 (one copy instead of two) of chr1:145,672,100-146,039,555 (367.5 kb, GRCh38 coordinates, 1-based), cytogenetic band 1q21.1.
Identifiers: ClinVar variation 4890983 (VCV004890983.1).